The following is an entry in ClinVar:

ClinVar aggregate classification (germline): Uncertain significance (1 of 4 stars; one submission).

Allele frequency attached by ClinVar (database versions not stated): gnomAD exomes below 0.00001 and 0.00001; gnomAD 0.00001.
gnomAD v4.1: 4 of 1,613,920 alleles (0.00025%); highest among the groups gnomAD compares: African/African-American, 0.004%; no homozygotes.

Submission:

Labcorp Genetics (formerly Invitae), Labcorp
Classification: Uncertain significance. Last evaluated: 2022-08-16. Review status: criteria provided, single submitter. Criteria: Invitae Variant Classification Sherloc (09022015). Collection method: clinical testing. Allele origin: germline.
Comment: In summary, the available evidence is currently insufficient to determine the role of this variant in disease. Therefore, it has been classified as a Variant of Uncertain Significance. This sequence change replaces lysine, which is basic and polar, with arginine, which is basic and polar, at codon 350 of the NDUFS2 protein (p.Lys350Arg). This variant is present in population databases (no rsID available, gnomAD 0.007%). This variant has not been reported in the literature in individuals affected with NDUFS2-related conditions. ClinVar contains an entry for this variant (Variation ID: 1368555). Algorithms developed to predict the effect of missense changes on protein structure and function (SIFT, PolyPhen-2, Align-GVGD) all suggest that this variant is likely to be tolerated. Algorithms developed to predict the effect of sequence changes on RNA splicing suggest that this variant may create or strengthen a splice site.

NM_001377299.1(NDUFS2):c.1049A>G (p.Lys350Arg)

Gene: NDUFS2 (NADH:ubiquinone oxidoreductase core subunit S2; plus strand). Cytogenetic location: 1q23.3.
Variant type: single nucleotide variant.
Coding change: c.1049A>G on transcript NM_001377299.1 (MANE Select); coding-DNA position 1049, A replaced by G.
Protein change: p.Lys350Arg; replaces lysine 350 with arginine.
Molecular consequence: missense variant.
Genome position (GRCh38, 1-based): chr1:161,212,413, A>G. VCF-style: chr1-161212413-A-G. GRCh37 (hg19) VCF-style: chr1-161182203-A-G.
Other names: c.1049A>G, p.Lys350Arg (NM_001166159.2, NM_001377298.1, NM_001377300.1 and 3 more transcripts); short protein forms K350R.
Identifiers: ClinVar variation 1368555 (VCV001368555.8), dbSNP rs1438470013, ClinGen allele CA343381682.